The following is an entry in ClinVar:

ClinVar aggregate classification (germline): Uncertain significance (1 of 4 stars; one submission).

Conditions:
Noonan syndrome 9 (NS9). Identifiers: Orphanet 648, MedGen C4225282, MONDO:0014691, OMIM 616559.

Allele frequency attached by ClinVar (database versions not stated): gnomAD exomes below 0.00001.
gnomAD v4.1: 2 of 1,609,576 alleles (0.00012%); highest among the groups gnomAD compares: East Asian, 0.0045%; no homozygotes.

Submission:

Labcorp Genetics (formerly Invitae), Labcorp
Classification: Uncertain significance for Noonan syndrome 9. Last evaluated: 2023-12-13. Review status: criteria provided, single submitter. Criteria: Invitae Variant Classification Sherloc (09022015). Collection method: clinical testing. Allele origin: germline.
Comment: This sequence change replaces lysine, which is basic and polar, with arginine, which is basic and polar, at codon 912 of the SOS2 protein (p.Lys912Arg). This variant is not present in population databases (gnomAD no frequency). This variant has not been reported in the literature in individuals affected with SOS2-related conditions. Advanced modeling of protein sequence and biophysical properties (such as structural, functional, and spatial information, amino acid conservation, physicochemical variation, residue mobility, and thermodynamic stability) performed at Invitae indicates that this missense variant is not expected to disrupt SOS2 protein function with a negative predictive value of 80%. In summary, the available evidence is currently insufficient to determine the role of this variant in disease. Therefore, it has been classified as a Variant of Uncertain Significance.

NM_006939.4(SOS2):c.2735A>G (p.Lys912Arg)

Gene: SOS2 (SOS Ras/Rho guanine nucleotide exchange factor 2; minus strand). Cytogenetic location: 14q21.3.
Variant type: single nucleotide variant.
Coding change: c.2735A>G on transcript NM_006939.4 (MANE Select); coding-DNA position 2735, A replaced by G.
Protein change: p.Lys912Arg; replaces lysine 912 with arginine.
Molecular consequence: missense variant.
Genome position (GRCh38, 1-based): chr14:50,139,992, T>C on the plus strand (A>G on the coding strand, the complement: SOS2 is on the minus strand). VCF-style: chr14-50139992-T-C. GRCh37 (hg19) VCF-style: chr14-50606710-T-C.
Other names: c.2636A>G, p.Lys879Arg (NM_001411020.1); short protein forms K912R, K879R.
Identifiers: ClinVar variation 3020490 (VCV003020490.3), dbSNP rs1246299964, ClinGen allele CA389642705.